The following is an entry in ClinVar:

ClinVar aggregate classification (germline): Likely benign. Review status: criteria provided, single submitter (1 of 4 stars). 2 submissions from 2 submitters: Likely benign (1). 1 of the submissions does not count toward it. Last evaluated 2023-03-02.

Conditions:
Macrothrombocytopenia and granulocyte inclusions with or without nephritis or sensorineural hearing loss (MATINS). Also called: BLEEDING DISORDER, PLATELET-TYPE, 6; MAY-HEGGLIN ANOMALY; DOHLE LEUKOCYTE INCLUSIONS WITH GIANT PLATELETS; MACROTHROMBOCYTOPENIA WITH LEUKOCYTE INCLUSIONS; SEBASTIAN PLATELET SYNDROME; MACROTHROMBOCYTOPENIA WITH DISPERSED LEUKOCYTIC INCLUSIONS. Identifiers: Orphanet 182050, MedGen C5200934, MONDO:0015912, OMIM 155100.

gnomAD v4.1: 8 of 1,613,098 alleles (0.0005%); highest among the groups gnomAD compares: East Asian, 0.0022%; no homozygotes.

Submissions (2):

Labcorp Genetics (formerly Invitae), Labcorp
Classification: Likely benign. Last evaluated: 2023-03-02. Review status: criteria provided, single submitter. Criteria: Invitae Variant Classification Sherloc (09022015). Collection method: clinical testing. Allele origin: germline.

ISTH-SSC Genomics in Thrombosis and Hemostasis, KU Leuven, Center for Molecular and Vascular Biology
Classification: Likely benign for Macrothrombocytopenia and granulocyte inclusions with or without nephritis or sensorineural hearing loss. Review status: no assertion criteria provided. Collection method: research. Allele origin: unknown. Affected: yes. Not counted in ClinVar's aggregate classification.
Comment: Submitted to GoldVariant by Dr Marie-Christine Morel-Kopp from Northern Blood Research Centre, Sydney, Australia

NM_002473.6(MYH9):c.2153G>A (p.Arg718Gln)

Gene: MYH9 (myosin heavy chain 9; minus strand). Cytogenetic location: 22q12.3.
Variant type: single nucleotide variant.
Coding change: c.2153G>A on transcript NM_002473.6 (MANE Select); coding-DNA position 2153, G replaced by A.
Protein change: p.Arg718Gln; replaces arginine 718 with glutamine.
Molecular consequence: missense variant.
Genome position (GRCh38, 1-based): chr22:36,305,936, C>T on the plus strand (G>A on the coding strand, the complement: MYH9 is on the minus strand). VCF-style: chr22-36305936-C-T. GRCh37 (hg19) VCF-style: chr22-36701982-C-T.
Other names: short protein forms R718Q.
Identifiers: ClinVar variation 1695376 (VCV001695376.4), dbSNP rs1464713086, ClinGen allele CA411397323.
Genomic context (GRCh38, chr22:36,305,936, plus strand): 5'-CTCACTGCACGCACAGCAGGGCCCAGGAGAAGCGGGCTCCGGGCCCTGGCTCACCTCTGC[C>T]GAAACTCCTGGAAGACCACCCTGTTGGGGAAGCCCTGGCGGCAGATACGGATGCCCTCGA-3'
Protein context (NP_002464.1, residues 708-728): FPNRVVFQEF[Arg718Gln]QRYEILTPNS